The following is an entry in ClinVar:

ClinVar aggregate classification (germline): Likely pathogenic. Review status: criteria provided, single submitter (1 of 4 stars). 2 submissions from 2 submitters: Likely pathogenic (1). 1 of the submissions does not count toward it. Last evaluated 2025-01-14.

Conditions:
Familial thoracic aortic aneurysm and aortic dissection (TAAD). Also called: Thoracic aortic aneurysms and dissections. Identifiers: Orphanet 91387, MedGen C4707243, MONDO:0019625.
Ehlers-Danlos syndrome, type 4 (EDSVASC). Also called: Ehlers-Danlos syndrome vascular type; Ehlers Danlos syndrome, ecchymotic type; Ehlers Danlos syndrome, arterial type; Ehlers Danlos syndrome, Sack-Barabas type; Ehlers-Danlos Syndrome Type IV. Identifiers: Orphanet 286, MedGen C0268338, MONDO:0017314, OMIM 130050.

Submissions (2):

Ambry Genetics
Classification: Likely pathogenic for Familial thoracic aortic aneurysm and aortic dissection. Last evaluated: 2025-01-14. Review status: criteria provided, single submitter. Criteria: Ambry Variant Classification Scheme 2023. Collection method: clinical testing. Allele origin: germline.
Comment: The p.G492V variant (also known as c.1475G>T), located in coding exon 21 of the COL3A1 gene, results from a G to T substitution at nucleotide position 1475. The glycine at codon 492 is replaced by valine, an amino acid with dissimilar properties. The majority (approximately two-thirds) of COL3A1 mutations identified to date have involved the substitution of another amino acid for glycine within the triple-helical domain (Pepin MG et al. Genet Med. 2014;16(12):881-8; Frank M et al. Eur J Hum Genet. 2015;23(12):1657-64). This variant was reported in individual(s) with features consistent with vascular Ehlers-Danlos syndrome (Pepin MG et al. Genet Med, 2014 Dec;16:881-8). Internal structural analysis indicates that this alteration disrupts the characteristic G-X-Y motif in the COL3A1 protein and inserts a bulky side chain into a sterically-constrained region (Bella J et al. Science. 1994;266:75-81; Hohenester E et al. Proc. Natl. Acad. Sci. U.S.A. 2008;105:18273-7; Ambry internal data). This amino acid position is highly conserved in available vertebrate species. In addition, this alteration is predicted to be deleterious by in silico analysis. This variant is considered to be rare based on population cohorts in the Genome Aggregation Database (gnomAD). Based on the majority of available evidence to date, this variant is likely to be pathogenic.

Collagen Diagnostic Laboratory, University of Washington
Classification: Pathogenic for Ehlers-Danlos syndrome, type 4. Review status: no assertion criteria provided. Collection method: clinical testing. Allele origin: germline. Affected: yes. Not counted in ClinVar's aggregate classification.

Literature cited by the submitters: PubMed 24922459 (cited by Ambry Genetics).

NM_000090.4(COL3A1):c.1475G>T (p.Gly492Val)

Gene: COL3A1 (collagen type III alpha 1 chain; plus strand). Cytogenetic location: 2q32.2.
Variant type: single nucleotide variant.
Coding change: c.1475G>T on transcript NM_000090.4 (MANE Select); coding-DNA position 1475, G replaced by T.
Protein change: p.Gly492Val; replaces glycine 492 with valine.
Molecular consequence: missense variant.
Genome position (GRCh38, 1-based): chr2:188,995,065, G>T. VCF-style: chr2-188995065-G-T. GRCh37 (hg19) VCF-style: chr2-189859791-G-T.
Identifiers: ClinVar variation 101340 (VCV000101340.3), dbSNP rs587779500, ClinGen allele CA004326.